The following is an entry in ClinVar:

NM_004525.3(LRP2):c.1346T>A (p.Phe449Tyr)

Gene: LRP2 (LDL receptor related protein 2; minus strand). Cytogenetic location: 2q31.1.
Variant type: single nucleotide variant.
Coding change: c.1346T>A on transcript NM_004525.3 (MANE Select); coding-DNA position 1346, T replaced by A.
Protein change: p.Phe449Tyr; replaces phenylalanine 449 with tyrosine.
Molecular consequence: missense variant.
Genome position (GRCh38, 1-based): chr2:169,279,591, A>T on the plus strand (T>A on the coding strand, the complement: LRP2 is on the minus strand). VCF-style: chr2-169279591-A-T. GRCh37 (hg19) VCF-style: chr2-170136101-A-T.
Other names: short protein forms F449Y.
Identifiers: ClinVar variation 733879 (VCV000733879.35), dbSNP rs139167787, ClinGen allele CA1955577.

ClinVar aggregate classification (germline): Benign/Likely benign. Review status: criteria provided, multiple submitters, no conflicts (2 of 4 stars). 4 submissions from 4 submitters: Benign (1); Likely benign (2). 1 of the submissions does not count toward it. Last evaluated 2026-02-04.

Conditions:
LRP2-related disorder. Also called: LRP2-related condition.

Allele frequency attached by ClinVar (database versions not stated): gnomAD exomes 0.00018 and 0.00046; ExAC 0.00062; 1000 Genomes Project 0.00120; 1000 Genomes Project 30x 0.00141; ESP Exome Variant Server 0.00185; TOPMed 0.00194; gnomAD 0.00198 and 0.00211.
gnomAD v4.1: 558 of 1,609,182 alleles (0.035%); highest among the groups gnomAD compares: African/African-American, 0.68%; 3 homozygotes.

Submissions (4):

Labcorp Genetics (formerly Invitae), Labcorp
Classification: Benign. Last evaluated: 2026-02-04. Review status: criteria provided, single submitter. Criteria: Invitae Variant Classification Sherloc (09022015). Collection method: clinical testing. Allele origin: germline.

Blueprint Genetics
Classification: Likely benign. Last evaluated: 2024-09-02. Review status: criteria provided, single submitter. Criteria: ACMG Guidelines, 2015. Collection method: clinical testing. Allele origin: germline.

CeGaT Center for Human Genetics Tuebingen
Classification: Likely benign. Last evaluated: 2022-09-01. Review status: criteria provided, single submitter. Criteria: CeGaT Center For Human Genetics Tuebingen Variant Classification Criteria Version 2. Collection method: clinical testing. Allele origin: germline. Affected: yes. Observed: 1 variant allele.
Comment: LRP2: BS2

PreventionGenetics, part of Exact Sciences
Classification: Benign for LRP2-related condition. Last evaluated: 2019-06-03. Review status: no assertion criteria provided. Collection method: clinical testing. Allele origin: germline. Not counted in ClinVar's aggregate classification.
Comment: This variant is classified as benign based on ACMG/AMP sequence variant interpretation guidelines (Richards et al. 2015 PMID: 25741868, with internal and published modifications).